The following is an entry in ClinVar:

ClinVar aggregate classification (germline): Uncertain significance. Review status: criteria provided, multiple submitters, no conflicts (2 of 4 stars). 2 submissions from 2 submitters: Uncertain significance (2). Last evaluated 2025-12-08.

Conditions:
Inborn genetic diseases. Identifiers: MedGen C0950123, MeSH D030342.

Allele frequency attached by ClinVar (database versions not stated): gnomAD exomes below 0.00001 and 0.00001; ExAC 0.00001; gnomAD 0.00002; TOPMed 0.00002.
gnomAD v4.1: 21 of 1,613,716 alleles (0.0013%); highest among the groups gnomAD compares: East Asian, 0.025%; no homozygotes.

Submissions (2):

Labcorp Genetics (formerly Invitae), Labcorp
Classification: Uncertain significance. Last evaluated: 2025-12-08. Review status: criteria provided, single submitter. Criteria: Invitae Variant Classification Sherloc (09022015). Collection method: clinical testing. Allele origin: germline.
Comment: This sequence change replaces arginine, which is basic and polar, with histidine, which is basic and polar, at codon 233 of the SLC25A12 protein (p.Arg233His). This variant is present in population databases (rs780217724, gnomAD 0.02%). This variant has not been reported in the literature in individuals affected with SLC25A12-related conditions. ClinVar contains an entry for this variant (Variation ID: 838831). Invitae Evidence Modeling of protein sequence and biophysical properties (such as structural, functional, and spatial information, amino acid conservation, physicochemical variation, residue mobility, and thermodynamic stability) indicates that this missense variant is not expected to disrupt SLC25A12 protein function with a negative predictive value of 80%. In summary, the available evidence is currently insufficient to determine the role of this variant in disease. Therefore, it has been classified as a Variant of Uncertain Significance.

Ambry Genetics
Classification: Uncertain significance for Inborn genetic diseases. Last evaluated: 2025-02-23. Review status: criteria provided, single submitter. Criteria: Ambry Variant Classification Scheme 2023. Collection method: clinical testing. Allele origin: germline.

NM_003705.5(SLC25A12):c.698G>A (p.Arg233His)

Gene: SLC25A12 (solute carrier family 25 member 12; minus strand). Cytogenetic location: 2q31.1.
Variant type: single nucleotide variant.
Coding change: c.698G>A on transcript NM_003705.5 (MANE Select); coding-DNA position 698, G replaced by A.
Protein change: p.Arg233His; replaces arginine 233 with histidine.
Molecular consequence: missense variant. On other transcripts: non-coding transcript variant (1).
Genome position (GRCh38, 1-based): chr2:171,834,780, C>T on the plus strand (G>A on the coding strand, the complement: SLC25A12 is on the minus strand). VCF-style: chr2-171834780-C-T. GRCh37 (hg19) VCF-style: chr2-172691290-C-T.
Other names: c.698G>A (NM_003705.3); short protein forms R233H.
Identifiers: ClinVar variation 838831 (VCV000838831.8), dbSNP rs780217724, ClinGen allele CA1966333.